The following is an entry in ClinVar:

NM_001374385.1(ATP8B1):c.262A>T (p.Lys88Ter)

Gene: ATP8B1 (ATPase phospholipid transporting 8B1; minus strand). Cytogenetic location: 18q21.31.
Variant type: single nucleotide variant.
Coding change: c.262A>T on transcript NM_001374385.1 (MANE Select); coding-DNA position 262, A replaced by T.
Protein change: p.Lys88Ter; replaces lysine 88 with a stop codon.
Molecular consequence: nonsense. On other transcripts: intron variant (1).
Genome position (GRCh38, 1-based): chr18:57,706,507, T>A on the plus strand (A>T on the coding strand, the complement: ATP8B1 is on the minus strand). VCF-style: chr18-57706507-T-A. GRCh37 (hg19) VCF-style: chr18-55373739-T-A.
Other names: c.262A>T, p.Lys88Ter (NM_005603.6); c.130-1839A>T (NM_001374386.1); short protein forms K88*.
Identifiers: ClinVar variation 2864279 (VCV002864279.3), dbSNP rs2511806058, ClinGen allele CA402550275.

ClinVar aggregate classification (germline): Pathogenic (1 of 4 stars; one submission).

Submission:

Labcorp Genetics (formerly Invitae), Labcorp
Classification: Pathogenic. Last evaluated: 2023-05-22. Review status: criteria provided, single submitter. Criteria: Invitae Variant Classification Sherloc (09022015). Collection method: clinical testing. Allele origin: germline.
Comment: For these reasons, this variant has been classified as Pathogenic. This variant has not been reported in the literature in individuals affected with ATP8B1-related conditions. This variant is not present in population databases (gnomAD no frequency). This sequence change creates a premature translational stop signal (p.Lys88*) in the ATP8B1 gene. It is expected to result in an absent or disrupted protein product. Loss-of-function variants in ATP8B1 are known to be pathogenic (PMID: 15239083, 22525741).

Literature cited by the submitters: PubMed 15239083; PubMed 22525741.